The following is an entry in ClinVar:

NM_005883.3(APC2):c.1743G>C (p.Leu581=)

Gene: APC2 (APC regulator of Wnt signaling pathway 2; plus strand). Cytogenetic location: 19p13.3.
Variant type: single nucleotide variant.
Coding change: c.1743G>C on transcript NM_005883.3 (MANE Select); coding-DNA position 1743, G replaced by C.
Protein change: p.Leu581=; no amino-acid change (leucine 581 retained).
Molecular consequence: synonymous variant.
Genome position (GRCh38, 1-based): chr19:1,462,067, G>C. VCF-style: chr19-1462067-G-C. GRCh37 (hg19) VCF-style: chr19-1462066-G-C.
Other names: c.1740G>C, p.Leu580= (NM_001351273.1).
Identifiers: ClinVar variation 3057530 (VCV003057530.2), dbSNP rs2512499427, ClinGen allele CA504727286.

ClinVar aggregate classification (germline): Likely benign (0 of 4 stars; one submission).

Conditions:
APC2-related disorder. Also called: APC2-related condition; APC2-Related Disorders.

Allele frequency attached by ClinVar (database versions not stated): gnomAD exomes below 0.00001.
gnomAD v4.1: 2 of 1,613,084 alleles (0.00012%); highest among the groups gnomAD compares: Non-Finnish European, 0.000085%; no homozygotes.

Submission:

PreventionGenetics, part of Exact Sciences
Classification: Likely benign for APC2-related condition. Last evaluated: 2024-01-22. Review status: no assertion criteria provided. Collection method: clinical testing. Allele origin: germline.
Comment: This variant is classified as likely benign based on ACMG/AMP sequence variant interpretation guidelines (Richards et al. 2015 PMID: 25741868, with internal and published modifications).